The following is an entry in ClinVar:

ClinVar aggregate classification (germline): Uncertain significance (1 of 4 stars; one submission).

Submission:

GeneDx
Classification: Uncertain significance. Last evaluated: 2024-04-18. Review status: criteria provided, single submitter. Criteria: GeneDx Variant Classification Process June 2021. Collection method: clinical testing. Allele origin: germline. Affected: yes.
Comment: Not observed at significant frequency in large population cohorts (gnomAD); In silico analysis supports that this missense variant has a deleterious effect on protein structure/function; Has not been previously published as pathogenic or benign to our knowledge

NM_001040716.2(PC):c.2293G>C (p.Asp765His)

Gene: PC (pyruvate carboxylase; minus strand). Cytogenetic location: 11q13.2.
Variant type: single nucleotide variant.
Coding change: c.2293G>C on transcript NM_001040716.2 (MANE Select); coding-DNA position 2293, G replaced by C.
Protein change: p.Asp765His; replaces aspartic acid 765 with histidine.
Molecular consequence: missense variant.
Genome position (GRCh38, 1-based): chr11:66,850,854, C>G on the plus strand (G>C on the coding strand, the complement: PC is on the minus strand). VCF-style: chr11-66850854-C-G. GRCh37 (hg19) VCF-style: chr11-66618325-C-G.
Other names: c.2293G>C, p.Asp765His (NM_000920.4, NM_022172.3); short protein forms D765H.
Identifiers: ClinVar variation 3372711 (VCV003372711.1).
Genomic context (GRCh38, chr11:66,850,854, plus strand): 5'-CCAGCATGGCTGCCACGCCTGCCCCTGACGTGTCGTGGGTGTGGATGTGCAGTGGGAGGT[C>G]GGGGAAGCGGTCCCGGAGGGAGCTGACCAGCATGGTGCAGGCCGTGGGCTTCAGCAGCCC-3'
Protein context (NP_001035806.1, residues 755-775): LVSSLRDRFP[Asp765His]LPLHIHTHDT